The following is an entry in ClinVar:

ClinVar aggregate classification (germline): Benign (0 of 4 stars; one submission).

Conditions:
DNAH17-related disorder. Also called: DNAH17-related condition.

Allele frequency attached by ClinVar (database versions not stated): ESP Exome Variant Server 0.00040; 1000 Genomes Project 30x 0.00297; 1000 Genomes Project 0.00300; gnomAD 0.00361; ExAC 0.01078.
gnomAD v4.1: 3,625 of 1,571,360 alleles (0.23%); highest among the groups gnomAD compares: East Asian, 1.4%; 33 homozygotes.

Submission:

PreventionGenetics, part of Exact Sciences
Classification: Benign for DNAH17-related condition. Last evaluated: 2019-03-21. Review status: no assertion criteria provided. Collection method: clinical testing. Allele origin: germline.
Comment: This variant is classified as benign based on ACMG/AMP sequence variant interpretation guidelines (Richards et al. 2015 PMID: 25741868, with internal and published modifications).

NM_173628.4(DNAH17):c.7633A>G (p.Met2545Val)

Genes: DNAH17 (dynein axonemal heavy chain 17; minus strand), LOC130061846 (ATAC-STARR-seq lymphoblastoid silent region 9069; plus strand). Cytogenetic location: 17q25.3.
Variant type: single nucleotide variant.
Coding change: c.7633A>G on transcript NM_173628.4 (MANE Select); coding-DNA position 7633, A replaced by G.
Protein change: p.Met2545Val; replaces methionine 2545 with valine.
Molecular consequence: missense variant.
Genome position (GRCh38, 1-based): chr17:78,484,884, T>C on the plus strand (A>G on the coding strand, the complement: DNAH17 is on the minus strand). VCF-style: chr17-78484884-T-C. GRCh37 (hg19) VCF-style: chr17-76480966-T-C.
Other names: short protein forms M2545V.
Identifiers: ClinVar variation 3045420 (VCV003045420.2), dbSNP rs190811861, ClinGen allele CA8802233.
Genomic context (GRCh38, chr17:78,484,884, plus strand): 5'-CGCCCCGGGGCCACGCCTTCCCCTCCGGCCCCGCCCCGTCTAACCAGTGCCGGTGGTCCA[T>C]GTGCTGCCGGATGAGGGTGTGCGGGGCCACCGTCCCATACTTGTCCACCTCGGGCATGTT-3'
Protein context (NP_775899.3, residues 2535-2555): VAPHTLIRQH[Met2545Val]DHRHWYDRHK